The following is an entry in ClinVar:

ClinVar aggregate classification (germline): Uncertain significance. Review status: criteria provided, multiple submitters, no conflicts (2 of 4 stars). 2 submissions from 2 submitters: Uncertain significance (2). Last evaluated 2025-08-12.

Conditions:
Multiple sulfatase deficiency (MSD). Also called: Mucosulfatidosis; Multiple Sulfatase Deficiency Disease; Sulfatidosis, Juvenile, Austin Type. Identifiers: Orphanet 585, MedGen C0268263, MONDO:0010088, OMIM 272200.
Inborn genetic diseases. Identifiers: MedGen C0950123, MeSH D030342.

Allele frequency attached by ClinVar (database versions not stated): gnomAD exomes below 0.00001; gnomAD 0.00001; TOPMed 0.00003.
gnomAD v4.1: 7 of 1,608,668 alleles (0.00044%); highest among the groups gnomAD compares: Admixed American, 0.01%; no homozygotes.

Submissions (2):

Ambry Genetics
Classification: Uncertain significance for Inborn genetic diseases. Last evaluated: 2025-08-12. Review status: criteria provided, single submitter. Criteria: Ambry Variant Classification Scheme 2023. Collection method: clinical testing. Allele origin: germline.

Labcorp Genetics (formerly Invitae), Labcorp
Classification: Uncertain significance for Multiple sulfatase deficiency. Last evaluated: 2022-08-21. Review status: criteria provided, single submitter. Criteria: Invitae Variant Classification Sherloc (09022015). Collection method: clinical testing. Allele origin: germline.
Comment: This sequence change replaces proline, which is neutral and non-polar, with alanine, which is neutral and non-polar, at codon 4 of the SUMF1 protein (p.Pro4Ala). This variant is present in population databases (no rsID available, gnomAD 0.003%). This variant has not been reported in the literature in individuals affected with SUMF1-related conditions. ClinVar contains an entry for this variant (Variation ID: 1396236). Algorithms developed to predict the effect of missense changes on protein structure and function are either unavailable or do not agree on the potential impact of this missense change (SIFT: "Deleterious"; PolyPhen-2: "Probably Damaging"; Align-GVGD: "Class C0"). In summary, the available evidence is currently insufficient to determine the role of this variant in disease. Therefore, it has been classified as a Variant of Uncertain Significance.

NM_182760.4(SUMF1):c.10C>G (p.Pro4Ala)

Gene: SUMF1 (sulfatase modifying factor 1; minus strand). Cytogenetic location: 3p26.1.
Variant type: single nucleotide variant.
Coding change: c.10C>G on transcript NM_182760.4 (MANE Select); coding-DNA position 10, C replaced by G.
Protein change: p.Pro4Ala; replaces proline 4 with alanine.
Molecular consequence: missense variant.
Genome position (GRCh38, 1-based): chr3:4,467,236, G>C on the plus strand (C>G on the coding strand, the complement: SUMF1 is on the minus strand). VCF-style: chr3-4467236-G-C. GRCh37 (hg19) VCF-style: chr3-4508920-G-C.
Other names: c.10C>G (NM_182760.3); c.10C>G, p.Pro4Ala (NM_001164674.2, NM_001164675.2); short protein forms P4A.
Identifiers: ClinVar variation 1396236 (VCV001396236.6), dbSNP rs1420466361, ClinGen allele CA351794734.